The following is an entry in ClinVar:

ClinVar aggregate classification (germline): Uncertain significance (1 of 4 stars; one submission).

Conditions:
Hereditary cancer-predisposing syndrome. Also called: Hereditary neoplastic syndrome; Tumor predisposition; Hereditary Cancer Syndrome; Neoplastic Syndromes, Hereditary. Identifiers: Orphanet 140162, MedGen C0027672, MeSH D009386, MONDO:0015356.

Submission:

Ambry Genetics
Classification: Uncertain significance for Hereditary cancer-predisposing syndrome. Last evaluated: 2023-06-24. Review status: criteria provided, single submitter. Criteria: Ambry Variant Classification Scheme 2023. Collection method: clinical testing. Allele origin: germline.
Comment: The p.F1196L variant (also known as c.3588T>A), located in coding exon 20 of the DICER1 gene, results from a T to A substitution at nucleotide position 3588. The phenylalanine at codon 1196 is replaced by leucine, an amino acid with highly similar properties. This amino acid position is conserved. In addition, this alteration is predicted to be tolerated by in silico analysis. Since supporting evidence is limited at this time, the clinical significance of this alteration remains unclear.

NM_177438.3(DICER1):c.3588T>A (p.Phe1196Leu)

Gene: DICER1 (dicer 1, ribonuclease III; minus strand). Cytogenetic location: 14q32.13.
Variant type: single nucleotide variant.
Coding change: c.3588T>A on transcript NM_177438.3 (MANE Select); coding-DNA position 3588, T replaced by A.
Protein change: p.Phe1196Leu; replaces phenylalanine 1196 with leucine.
Molecular consequence: missense variant. On other transcripts: non-coding transcript variant (6).
Genome position (GRCh38, 1-based): chr14:95,103,808, A>T on the plus strand (T>A on the coding strand, the complement: DICER1 is on the minus strand). VCF-style: chr14-95103808-A-T. GRCh37 (hg19) VCF-style: chr14-95570145-A-T.
Other names: c.3588T>A, p.Phe1196Leu (NM_001195573.1, NM_001271282.3, NM_001291628.2 and 13 more transcripts); c.3306T>A, p.Phe1102Leu (NM_001395686.1); c.3183T>A, p.Phe1061Leu (NM_001395687.1, NM_001395688.1, NM_001395689.1 and 2 more transcripts); c.3021T>A, p.Phe1007Leu (NM_001395691.1); c.1905T>A, p.Phe635Leu (NM_001395697.1); short protein forms F635L, F1007L, F1061L, F1102L, F1196L.
Identifiers: ClinVar variation 2586396 (VCV002586396.2), dbSNP rs2542707118, ClinGen allele CA390874803.
Genomic context (GRCh38, chr14:95,103,808, plus strand): 5'-TGAGGTAGTTGGTTGCACGGGTATTTCCTGCTTGTAGTAATTTAGCTGATTTCCTTGGCA[A>T]AAGTCTCTGTTAGCTAAATCATAACTGCCATTGGCGAGATTTTGATTGTAAGAAAGACCA-3'
Protein context (NP_803187.1, residues 1186-1206): NGSYDLANRD[Phe1196Leu]CQGNQLNYYK